The following is an entry in ClinVar:

NM_005228.5(EGFR):c.797dup (p.Leu267fs)

Gene: EGFR (epidermal growth factor receptor; plus strand). Cytogenetic location: 7p11.2.
Variant type: Duplication.
Coding change: c.797dup on transcript NM_005228.5 (MANE Select); coding-DNA position 797, one base duplicated (C; older notation c.797dupC).
Protein change: p.Leu267fs; shifts the reading frame from leucine 267.
Molecular consequence: frameshift variant. On other transcripts: intron variant (1).
Genome position (GRCh38, 1-based): chr7:55,154,060, C duplicated; the last of 6 consecutive C bases (chr7:55,154,055-55,154,060); duplicating any one gives the same sequence. VCF-style (leftmost placement, unchanged base first): chr7-55154054-G-GC. GRCh37 (hg19) VCF-style: chr7-55221747-G-GC.
Other names: c.662dup, p.Leu222fs (NM_001346897.2, NM_001346899.2); c.797dup, p.Leu267fs (NM_001346898.2, NM_201282.2, NM_201283.2 and 1 more transcripts); c.638dup, p.Leu214fs (NM_001346900.2); c.89-1770dup (NM_001346941.2); short protein forms L222fs, L267fs, L214fs.
Identifiers: ClinVar variation 3012073 (VCV003012073.3), dbSNP rs2128934926, ClinGen allele CA2740097358.

ClinVar aggregate classification (germline): Pathogenic (1 of 4 stars; one submission).

Conditions:
EGFR-related lung cancer (EGFR). Identifiers: MedGen CN130014.

Submission:

Labcorp Genetics (formerly Invitae), Labcorp
Classification: Pathogenic for EGFR-related lung cancer. Last evaluated: 2025-02-12. Review status: criteria provided, single submitter. Criteria: Invitae Variant Classification Sherloc (09022015). Collection method: clinical testing. Allele origin: germline.
Comment: This sequence change creates a premature translational stop signal (p.Leu267Thrfs*32) in the EGFR gene. It is expected to result in an absent or disrupted protein product. Loss-of-function variants in EGFR are known to be pathogenic (PMID: 7630400, 28726809, 29899996). This variant is not present in population databases (gnomAD no frequency). This variant has not been reported in the literature in individuals affected with EGFR-related conditions. ClinVar contains an entry for this variant (Variation ID: 3012073). For these reasons, this variant has been classified as Pathogenic.

Literature cited by the submitters: PubMed 7630400; PubMed 28726809; PubMed 29899996.